The following is an entry in ClinVar:

ClinVar aggregate classification (germline): Uncertain significance (1 of 4 stars; one submission).

Submission:

Women's Health and Genetics/Laboratory Corporation of America, LabCorp
Classification: Uncertain significance. Last evaluated: 2023-10-27. Review status: criteria provided, single submitter. Criteria: LabCorp Variant Classification Summary - May 2015. Collection method: clinical testing. Allele origin: germline.
Comment: Variant summary: PTPRT c.89-1G>A is located in a canonical splice-site and is predicted to affect mRNA splicing resulting in a significantly altered protein due to either exon skipping, shortening, or inclusion of intronic material. Several computational tools predict a significant impact on normal splicing: Four predict the variant abolishes the canonical 3' acceptor site and two predict the variant also creates a new 3' acceptor site. However, these predictions have yet to be confirmed by functional studies. The variant was absent in 248564 control chromosomes (gnomAD). The available data on variant occurrences in the general population are insufficient to allow any conclusion about variant significance. To our knowledge, no occurrence of c.89-1G>A in individuals affected with PTPRT-Related Disorders, no experimental evidence demonstrating its impact on protein function have been reported, and currently the molecular mechanism of disease for PTPRT is unknown. No submitters have cited clinical-significance assessments for this variant to ClinVar after 2014. Based on the evidence outlined above, the variant was classified as uncertain significance.

NM_007050.6(PTPRT):c.89-1G>A

Gene: PTPRT (protein tyrosine phosphatase receptor type T; minus strand). Cytogenetic location: 20q12.
Variant type: single nucleotide variant.
Coding change: c.89-1G>A on transcript NM_007050.6 (MANE Select); the canonical splice acceptor site of the intron before coding-DNA position 89, G replaced by A.
Molecular consequence: splice acceptor variant.
Genome position (GRCh38, 1-based): chr20:42,885,933, C>T on the plus strand (G>A on the coding strand, the complement: PTPRT is on the minus strand). VCF-style: chr20-42885933-C-T. GRCh37 (hg19) VCF-style: chr20-41514573-C-T.
Other names: c.89-1G>A (NM_001394024.1, NM_001394025.1, NM_133170.4 and 1 more transcripts).
Identifiers: ClinVar variation 2637523 (VCV002637523.1), dbSNP rs2515562698, ClinGen allele CA409362288.